The following is an entry in ClinVar:

NM_024642.5(GALNT12):c.365A>G (p.Asn122Ser)

Gene: GALNT12 (polypeptide N-acetylgalactosaminyltransferase 12; plus strand). Cytogenetic location: 9q22.33.
Variant type: single nucleotide variant.
Coding change: c.365A>G on transcript NM_024642.5 (MANE Select); coding-DNA position 365, A replaced by G.
Protein change: p.Asn122Ser; replaces asparagine 122 with serine.
Molecular consequence: missense variant.
Genome position (GRCh38, 1-based): chr9:98,808,063, A>G. VCF-style: chr9-98808063-A-G. GRCh37 (hg19) VCF-style: chr9-101570345-A-G.
Other names: c.365A>G (NM_024642.4); short protein forms N122S.
Identifiers: ClinVar variation 2675816 (VCV002675816.2), dbSNP rs2490456511, ClinGen allele CA374223169.

ClinVar aggregate classification (germline): Uncertain significance. Review status: criteria provided, multiple submitters, no conflicts (2 of 4 stars). 2 submissions from 2 submitters: Uncertain significance (2). Last evaluated 2023-11-22.

Conditions:
Colorectal cancer, susceptibility to, 1. Also called: COLORECTAL ADENOMA AND CANCER, SUSCEPTIBILITY TO; COLORECTAL CANCER, SUSCEPTIBILITY TO, ON CHROMOSOME 9. Identifiers: MedGen C1837315, MONDO:0012132, OMIM 608812.

Submissions (2):

Ambry Genetics
Classification: Uncertain significance. Last evaluated: 2023-11-22. Review status: criteria provided, single submitter. Criteria: Ambry Variant Classification Scheme 2023. Collection method: clinical testing. Allele origin: germline.
Comment: The p.N122S variant (also known as c.365A>G), located in coding exon 1 of the GALNT12 gene, results from an A to G substitution at nucleotide position 365. The asparagine at codon 122 is replaced by serine, an amino acid with highly similar properties. This amino acid position is conserved. In addition, this alteration is predicted to be tolerated by in silico analysis. Since supporting evidence is limited at this time, the clinical significance of this alteration remains unclear.

Baylor Genetics
Classification: Uncertain significance for Colorectal cancer, susceptibility to, 1. Last evaluated: 2023-06-09. Review status: criteria provided, single submitter. Criteria: ACMG Guidelines, 2015. Collection method: clinical testing. Allele origin: unknown.